The following is an entry in ClinVar:

ClinVar aggregate classification (germline): Uncertain significance (1 of 4 stars; one submission).

Conditions:
Saldino-Mainzer syndrome (SRTD9). Also called: short-rib thoracic dysplasia 9 with or without polydactyly; CONORENAL SYNDROME; Renal dysplasia, retinal pigmentary dystrophy, cerebellar ataxia and skeletal dysplasia; SHORT-RIB THORACIC DYSPLASIA 9 WITHOUT POLYDACTYLY. Identifiers: Orphanet 140969, MedGen C1849437, MONDO:0009964, OMIM 266920.

Submission:

Labcorp Genetics (formerly Invitae), Labcorp
Classification: Uncertain significance for Saldino-Mainzer syndrome. Last evaluated: 2022-05-03. Review status: criteria provided, single submitter. Criteria: Invitae Variant Classification Sherloc (09022015). Collection method: clinical testing. Allele origin: germline.
Comment: In summary, the available evidence is currently insufficient to determine the role of this variant in disease. Therefore, it has been classified as a Variant of Uncertain Significance. Algorithms developed to predict the effect of missense changes on protein structure and function (SIFT, PolyPhen-2, Align-GVGD) all suggest that this variant is likely to be tolerated. This variant has not been reported in the literature in individuals affected with IFT140-related conditions. This variant is not present in population databases (gnomAD no frequency). This sequence change replaces phenylalanine, which is neutral and non-polar, with leucine, which is neutral and non-polar, at codon 431 of the IFT140 protein (p.Phe431Leu).

NM_014714.4(IFT140):c.1293C>A (p.Phe431Leu)

Genes: IFT140 (intraflagellar transport 140; minus strand), LOC105371046 (uncharacterized LOC105371046; plus strand). Cytogenetic location: 16p13.3.
Variant type: single nucleotide variant.
Coding change: c.1293C>A on transcript NM_014714.4 (MANE Select); coding-DNA position 1293, C replaced by A.
Protein change: p.Phe431Leu; replaces phenylalanine 431 with leucine.
Molecular consequence: missense variant.
Genome position (GRCh38, 1-based): chr16:1,584,283, G>T on the plus strand (C>A on the coding strand, the complement: IFT140 is on the minus strand). VCF-style: chr16-1584283-G-T. GRCh37 (hg19) VCF-style: chr16-1634284-G-T.
Other names: short protein forms F431L.
Identifiers: ClinVar variation 2132756 (VCV002132756.4), dbSNP rs2507762799, ClinGen allele CA394214566.